The following is an entry in ClinVar:

NM_001282531.3(ADNP):c.2378T>G (p.Leu793Ter)

Gene: ADNP (activity dependent neuroprotector homeobox; minus strand). Cytogenetic location: 20q13.13.
Variant type: single nucleotide variant.
Coding change: c.2378T>G on transcript NM_001282531.3 (MANE Select); coding-DNA position 2378, T replaced by G.
Protein change: p.Leu793Ter; replaces leucine 793 with a stop codon.
Molecular consequence: nonsense.
Genome position (GRCh38, 1-based): chr20:50,892,336, A>C on the plus strand (T>G on the coding strand, the complement: ADNP is on the minus strand). VCF-style: chr20-50892336-A-C. GRCh37 (hg19) VCF-style: chr20-49508873-A-C.
Other names: c.2378T>G, p.Leu793Ter (NM_001282532.2, NM_001347511.2, NM_015339.5 and 1 more transcripts); short protein forms L793*.
Identifiers: ClinVar variation 280874 (VCV000280874.2), dbSNP rs886042001, ClinGen allele CA10603366.

ClinVar aggregate classification (germline): Pathogenic (1 of 4 stars; one submission).

Submission:

GeneDx
Classification: Pathogenic. Last evaluated: 2016-09-30. Review status: criteria provided, single submitter. Criteria: GeneDx Variant Classification (06012015). Collection method: clinical testing. Allele origin: germline. Affected: yes.
Comment: The L793X variant in the ADNP gene has not been reported previously as a pathogenic variant nor as a benign variant, to our knowledge. This variant is predicted to cause loss of normal protein function through protein truncation. The L793X variant was not observed in approximately 6,500 individuals of European and African American ancestry in the NHLBI Exome Sequencing Project, indicating it is not a common benign variant in these populations. Based on currently available evidence, we interpret L793X as a pathogenic variant